The following is an entry in ClinVar:

NM_004820.5(CYP7B1):c.1256T>C (p.Ile419Thr)

Gene: CYP7B1 (cytochrome P450 family 7 subfamily B member 1; minus strand). Cytogenetic location: 8q12.3.
Variant type: single nucleotide variant.
Coding change: c.1256T>C on transcript NM_004820.5 (MANE Select); coding-DNA position 1256, T replaced by C.
Protein change: p.Ile419Thr; replaces isoleucine 419 with threonine.
Molecular consequence: missense variant. On other transcripts: intron variant (1).
Genome position (GRCh38, 1-based): chr8:64,596,907, A>G on the plus strand (T>C on the coding strand, the complement: CYP7B1 is on the minus strand). VCF-style: chr8-64596907-A-G. GRCh37 (hg19) VCF-style: chr8-65509464-A-G.
Other names: c.1234-7063T>C (NM_001324112.2); short protein forms I419T.
Identifiers: ClinVar variation 593447 (VCV000593447.7), dbSNP rs778082094, ClinGen allele CA4764004.

ClinVar aggregate classification (germline): Uncertain significance. Review status: criteria provided, multiple submitters, no conflicts (2 of 4 stars). 2 submissions from 2 submitters: Uncertain significance (2). Last evaluated 2022-07-17.

Conditions:
Spastic paraplegia. Identifiers: MedGen C0037772, HP:0001258.

Allele frequency attached by ClinVar (database versions not stated): ExAC 0.00001; TOPMed 0.00002; gnomAD exomes 0.00002; gnomAD 0.00001.
gnomAD v4.1: 25 of 1,612,076 alleles (0.0016%); highest among the groups gnomAD compares: Admixed American, 0.0067%; no homozygotes.

Submissions (2):

Labcorp Genetics (formerly Invitae), Labcorp
Classification: Uncertain significance for Spastic paraplegia. Last evaluated: 2022-07-17. Review status: criteria provided, single submitter. Criteria: Invitae Variant Classification Sherloc (09022015). Collection method: clinical testing. Allele origin: germline.
Comment: This sequence change replaces isoleucine, which is neutral and non-polar, with threonine, which is neutral and polar, at codon 419 of the CYP7B1 protein (p.Ile419Thr). This variant is present in population databases (rs778082094, gnomAD 0.009%). This variant has not been reported in the literature in individuals affected with CYP7B1-related conditions. ClinVar contains an entry for this variant (Variation ID: 593447). Algorithms developed to predict the effect of missense changes on protein structure and function output the following: SIFT: "Deleterious"; PolyPhen-2: "Benign"; Align-GVGD: "Class C0". The threonine amino acid residue is found in multiple mammalian species, which suggests that this missense change does not adversely affect protein function. In summary, the available evidence is currently insufficient to determine the role of this variant in disease. Therefore, it has been classified as a Variant of Uncertain Significance.

Eurofins Ntd Llc (ga)
Classification: Uncertain significance. Last evaluated: 2017-07-27. Review status: criteria provided, single submitter. Criteria: EGL Classification Definitions 2015. Collection method: clinical testing. Allele origin: germline. Observed: 2 variant alleles, 2 heterozygotes.